The following is an entry in ClinVar:

ClinVar aggregate classification (germline): Uncertain significance (1 of 4 stars; one submission).

Conditions:
Mucopolysaccharidosis, MPS-IV-A (MPS4A). Also called: Mucopolysaccharidosis type IV A; Mucopolysaccharidosis Type IVA; Morquio syndrome A, mild; MORQUIO SYNDROME A; MPS IVA; mucopolysaccharidosis type 4A. Identifiers: Orphanet 309297, Orphanet 582, MedGen C0086651, MONDO:0009659, OMIM 253000.

Submission:

Laboratory of Diagnosis and Therapy of Lysosomal Disorders, University of Padova
Classification: Uncertain significance for Mucopolysaccharidosis, MPS-IV-A. Last evaluated: 2021-02-01. Review status: criteria provided, single submitter. Criteria: ACMG Guidelines, 2015. Collection method: research. Allele origin: germline. Affected: yes.
Comment: Absent from gnomAD v2.1.1 (PM2_moderate)

Literature cited by the submitters: PubMed 34387910.

NM_000512.5:c.(898+1_899-1)_(1002+1_1003-1)dup

Gene: GALNS (galactosamine (N-acetyl)-6-sulfatase; minus strand).
Variant type: Duplication.
Other names: c.(898+1_899-1)_(1002+1_1003-1)dup (NM_000512.5).
Identifiers: ClinVar variation 1048481 (VCV001048481.3).